The following is an entry in ClinVar:

NM_001031710.3(KLHL7):c.809A>G (p.His270Arg)

Gene: KLHL7 (kelch like family member 7; plus strand). Cytogenetic location: 7p15.3.
Variant type: single nucleotide variant.
Coding change: c.809A>G on transcript NM_001031710.3 (MANE Select); coding-DNA position 809, A replaced by G.
Protein change: p.His270Arg; replaces histidine 270 with arginine.
Molecular consequence: missense variant. On other transcripts: non-coding transcript variant (1).
Genome position (GRCh38, 1-based): chr7:23,152,082, A>G. VCF-style: chr7-23152082-A-G. GRCh37 (hg19) VCF-style: chr7-23191701-A-G.
Other names: c.665A>G, p.His222Arg (NM_018846.5); short protein forms H270R, H222R.
Identifiers: ClinVar variation 3689786 (VCV003689786.2).

ClinVar aggregate classification (germline): Uncertain significance (1 of 4 stars; one submission).

Submission:

Labcorp Genetics (formerly Invitae), Labcorp
Classification: Uncertain significance. Last evaluated: 2024-11-27. Review status: criteria provided, single submitter. Criteria: Invitae Variant Classification Sherloc (09022015). Collection method: clinical testing. Allele origin: germline.
Comment: This sequence change replaces histidine, which is basic and polar, with arginine, which is basic and polar, at codon 270 of the KLHL7 protein (p.His270Arg). This variant is present in population databases (rs374898122, gnomAD 0.002%). This variant has not been reported in the literature in individuals affected with KLHL7-related conditions. An algorithm developed to predict the effect of missense changes on protein structure and function (PolyPhen-2) suggests that this variant is likely to be tolerated. In summary, the available evidence is currently insufficient to determine the role of this variant in disease. Therefore, it has been classified as a Variant of Uncertain Significance.